The following is an entry in ClinVar:

ClinVar aggregate classification (germline): Uncertain significance. Review status: criteria provided, multiple submitters, no conflicts (2 of 4 stars). 5 submissions from 5 submitters: Uncertain significance (2). 3 of the submissions do not count toward it. Last evaluated 2024-02-16.

Conditions:
CFTR-related disorder (CFTR-RD). Also called: CFTR-related disorders; CFTR-related condition. Identifiers: MedGen C5924204, MONDO:7770004.
Cystic fibrosis (CF). Also called: MUCOVISCIDOSIS. Identifiers: Orphanet 586, MedGen C0010674, MONDO:0009061, OMIM 219700. Disease mechanism: loss of function.

Allele frequency attached by ClinVar (database versions not stated): TOPMed below 0.00001; ExAC 0.00001; gnomAD exomes below 0.00001 and 0.00001; gnomAD 0.00001.
gnomAD v4.1: 7 of 1,613,852 alleles (0.00043%); highest among the groups gnomAD compares: Admixed American, 0.0017%; no homozygotes.

Submissions (5):

Ambry Genetics
Classification: Uncertain significance for Cystic fibrosis. Last evaluated: 2024-02-16. Review status: criteria provided, single submitter. Criteria: Ambry Variant Classification Scheme 2023. Collection method: clinical testing. Allele origin: germline.
Comment: The p.A959V variant (also known as c.2876C>T), located in coding exon 17 of the CFTR gene, results from a C to T substitution at nucleotide position 2876. The alanine at codon 959 is replaced by valine, an amino acid with similar properties. This alteration was identified in an individual with congenital bilateral absence of the vas deferens (CBAVD) (Ratbi I et al. Hum Reprod, 2007 May;22:1285-91). This amino acid position is highly conserved in available vertebrate species. In addition, this alteration is predicted to be deleterious by in silico analysis. Based on the available evidence, the clinical significance of this alteration remains unclear.

Women's Health and Genetics/Laboratory Corporation of America, LabCorp
Classification: Uncertain significance. Last evaluated: 2023-06-07. Review status: criteria provided, single submitter. Criteria: LabCorp Variant Classification Summary - May 2015. Collection method: clinical testing. Allele origin: germline.
Comment: Variant summary: CFTR c.2876C>T (p.Ala959Val) results in a non-conservative amino acid change located in the transmembrane domain (IPR011527) of the encoded protein sequence. Five of five in-silico tools predict a damaging effect of the variant on protein function. The variant allele was found at a frequency of 8e-06 in 251328 control chromosomes (gnomAD). The available data on variant occurrences in the general population are insufficient to allow any conclusion about variant significance. c.2876C>T has been reported in the literature in the heterozygous state in at least one individual affected with Congenital Bilateral Absence Of The Vas Deferens (e.g. Ratbi_2007, Pagin_2020). These report(s) do not provide unequivocal conclusions about association of the variant with Congenital Bilateral Absence Of The Vas Deferens. To our knowledge, no experimental evidence demonstrating an impact on protein function has been reported. The following publications have been ascertained in the context of this evaluation (PMID: 32357917, 31845523, 17329263). One clinical diagnostic laboratory has submitted a clinical-significance assessment for this variant to ClinVar after 2014 without evidence for independent evaluation and classified the variant as uncertain significance. Based on the evidence outlined above, the variant was classified as uncertain significance.

PreventionGenetics, part of Exact Sciences
Classification: Uncertain significance for CFTR-related condition. Last evaluated: 2024-03-22. Review status: no assertion criteria provided. Collection method: clinical testing. Allele origin: germline. Not counted in ClinVar's aggregate classification.
Comment: The CFTR c.2876C>T variant is predicted to result in the amino acid substitution p.Ala959Val. This variant has been reported in eight patients as a variant of uncertain significance (Ratbi et. at. 2007. PubMed ID: 17329263, Pagin et. al. 2019. PubMed ID: 31845523, Chamayou et. al. 2020. PubMed ID: 32357917), but has been predicted to be likely pathogenic by bioinformatics programs (De Paolis et. al. 2023. PubMed ID: 37628659). This variant is reported in 0.0018% of alleles in individuals of European (Non-Finnish) descent in gnomAD. At this time, the clinical significance of this variant is uncertain due to the absence of conclusive functional and genetic evidence.

Counsyl
Classification: Uncertain significance for Cystic fibrosis. Last evaluated: 2017-11-08. Review status: no assertion criteria provided. Collection method: clinical testing. Allele origin: unknown. Not counted in ClinVar's aggregate classification.

ClinVar Staff, National Center for Biotechnology Information (NCBI)
No classification provided. Condition: CFTR-related disorders. Review status: no classification provided. Collection method: literature only. Allele origin: germline. Affected: yes. Not counted in ClinVar's aggregate classification.

Literature cited by the submitters: PubMed 17329263 (cited by 4 submitters); PubMed 32357917 (cited by Women's Health and Genetics/Laboratory Corporation of America, LabCorp); PubMed 31845523 (cited by Women's Health and Genetics/Laboratory Corporation of America, LabCorp).

NM_000492.4(CFTR):c.2876C>T (p.Ala959Val)

Gene: CFTR (CF transmembrane conductance regulator; plus strand). Cytogenetic location: 7q31.2.
Variant type: single nucleotide variant.
Coding change: c.2876C>T on transcript NM_000492.4 (MANE Select); coding-DNA position 2876, C replaced by T.
Protein change: p.Ala959Val; replaces alanine 959 with valine.
Molecular consequence: missense variant.
Genome position (GRCh38, 1-based): chr7:117,603,750, C>T. VCF-style: chr7-117603750-C-T. GRCh37 (hg19) VCF-style: chr7-117243804-C-T.
Other names: short protein forms A959V.
Identifiers: ClinVar variation 53584 (VCV000053584.5), dbSNP rs397508448, ClinGen allele CA326950.
Genomic context (GRCh38, chr7:117,603,750, plus strand): 5'-ATACTCTAATCACAGTGTCGAAAATTTTACACCACAAAATGTTACATTCTGTTCTTCAAG[C>T]ACCTATGTCAACCCTCAACACGTTGAAAGCAGGTACTTTACTAGGTCTAAGAAATGAAAC-3'
Protein context (NP_000483.3, residues 949-969): HHKMLHSVLQ[Ala959Val]PMSTLNTLKA